The following is an entry in ClinVar:

NM_178013.4(PRIMA1):c.455T>C (p.Val152Ala)

Gene: PRIMA1 (proline rich membrane anchor 1; minus strand). Cytogenetic location: 14q32.12.
Variant type: single nucleotide variant.
Coding change: c.455T>C on transcript NM_178013.4 (MANE Select); coding-DNA position 455, T replaced by C.
Protein change: p.Val152Ala; replaces valine 152 with alanine.
Molecular consequence: missense variant.
Genome position (GRCh38, 1-based): chr14:93,721,451, A>G on the plus strand (T>C on the coding strand, the complement: PRIMA1 is on the minus strand). VCF-style: chr14-93721451-A-G. GRCh37 (hg19) VCF-style: chr14-94187797-A-G.
Other names: short protein forms V152A.
Identifiers: ClinVar variation 1063715 (VCV001063715.6), dbSNP rs1363990084, ClinGen allele CA390819125.

ClinVar aggregate classification (germline): Uncertain significance (1 of 4 stars; one submission).

Conditions:
Familial sleep-related hypermotor epilepsy. Also called: Autosomal Dominant Sleep-Related Hypermotor (Hyperkinetic) Epilepsy. Identifiers: Orphanet 98784, MedGen C3696898, MONDO:0000030.

Allele frequency attached by ClinVar (database versions not stated): gnomAD 0.00001; TOPMed 0.00001.

Submission:

Labcorp Genetics (formerly Invitae), Labcorp
Classification: Uncertain significance for Familial sleep-related hypermotor epilepsy. Last evaluated: 2021-08-20. Review status: criteria provided, single submitter. Criteria: Invitae Variant Classification Sherloc (09022015). Collection method: clinical testing. Allele origin: germline.
Comment: This sequence change replaces valine with alanine at codon 152 of the PRIMA1 protein (p.Val152Ala). The valine residue is moderately conserved and there is a small physicochemical difference between valine and alanine. This variant is not present in population databases (ExAC no frequency). This variant has not been reported in the literature in individuals affected with PRIMA1-related conditions. Algorithms developed to predict the effect of missense changes on protein structure and function (SIFT, PolyPhen-2, Align-GVGD) all suggest that this variant is likely to be tolerated. In summary, the available evidence is currently insufficient to determine the role of this variant in disease. Therefore, it has been classified as a Variant of Uncertain Significance.